The following is an entry in ClinVar:

ClinVar aggregate classification (germline): Benign/Likely benign. Review status: criteria provided, multiple submitters, no conflicts (2 of 4 stars). 9 submissions from 9 submitters: Benign (4); Likely benign (2). 3 of the submissions do not count toward it. Last evaluated 2026-02-04.

Conditions:
Zellweger spectrum disorders (ZS). Also called: Zellweger Spectrum Disorder; Zellweger Spectrum; Zellweger syndrome; Zellweger Spectrum Disorder (ZSD). Identifiers: Orphanet 912, MedGen C0043459, MONDO:0019609.
Peroxisome biogenesis disorder 1A (Zellweger) (PBD1A). Also called: Zellweger leukodystrophy; Peroxisome biogenesis disorder 1a. Identifiers: MedGen C4721541, MONDO:0008953, OMIM 214100.

Allele frequency attached by ClinVar (database versions not stated): gnomAD exomes 0.00067 and 0.00176; ExAC 0.00217; 1000 Genomes Project 0.00719; gnomAD 0.00731 and 0.00792; 1000 Genomes Project 30x 0.00734; ESP Exome Variant Server 0.00807; TOPMed 0.00826.
gnomAD v4.1: 2,151 of 1,613,966 alleles (0.13%); highest among the groups gnomAD compares: African/African-American, 2.6%; 27 homozygotes.

Submissions (9):

Labcorp Genetics (formerly Invitae), Labcorp
Classification: Benign for Zellweger spectrum disorders. Last evaluated: 2026-02-04. Review status: criteria provided, single submitter. Criteria: Invitae Variant Classification Sherloc (09022015). Collection method: clinical testing. Allele origin: germline.

GeneDx
Classification: Likely benign. Last evaluated: 2021-06-24. Review status: criteria provided, single submitter. Criteria: GeneDx Variant Classification Process June 2021. Collection method: clinical testing. Allele origin: germline. Affected: yes.

Illumina Laboratory Services, Illumina
Classification: Benign for Peroxisome biogenesis disorder 1A (Zellweger). Last evaluated: 2018-01-13. Review status: criteria provided, single submitter. Criteria: ICSL Variant Classification Criteria 13 December 2019. Collection method: clinical testing. Allele origin: germline.
Comment: This variant was observed in the ICSL laboratory as part of a predisposition screen in an ostensibly healthy population. It had not been previously curated by ICSL or reported in the Human Gene Mutation Database (HGMD: prior to June 1st, 2018), and was therefore a candidate for classification through an automated scoring system. Utilizing variant allele frequency, disease prevalence and penetrance estimates, and inheritance mode, an automated score was calculated to assess if this variant is too frequent to cause the disease. Based on the score and internal cut-off values, a variant classified as benign is not then subjected to further curation. The score for this variant resulted in a classification of benign for this disease.

Eurofins Ntd Llc (ga)
Classification: Benign. Last evaluated: 2013-07-26. Review status: criteria provided, single submitter. Criteria: EGL Classification Definitions 2015. Collection method: clinical testing. Allele origin: germline. Observed: 1 variant allele, 1 heterozygote.

Breakthrough Genomics
Classification: Likely benign. Review status: criteria provided, single submitter. Criteria: ACMG Guidelines, 2015. Collection method: not provided. Allele origin: germline. Inheritance: Autosomal recessive inheritance. Affected: yes.

PreventionGenetics, part of Exact Sciences
Classification: Benign. Review status: criteria provided, single submitter. Criteria: ACMG Guidelines, 2015. Collection method: clinical testing. Allele origin: germline.

Natera, Inc.
Classification: Benign for Zellweger syndrome. Last evaluated: 2017-05-11. Review status: no assertion criteria provided. Collection method: clinical testing. Allele origin: germline. Not counted in ClinVar's aggregate classification.

Clinical Genetics DNA and cytogenetics Diagnostics Lab, Erasmus MC, Erasmus Medical Center
Classification: Likely benign. Review status: no assertion criteria provided. Collection method: clinical testing. Allele origin: germline. Affected: yes. Study: VKGL Data-share Consensus. Not counted in ClinVar's aggregate classification.

Clinical Genetics, Academic Medical Center
Classification: Benign. Review status: no assertion criteria provided. Collection method: clinical testing. Allele origin: germline. Affected: yes. Study: VKGL Data-share Consensus. Not counted in ClinVar's aggregate classification.

NM_000466.3(PEX1):c.2901G>A (p.Gln967=)

Genes: PEX1 (peroxisomal biogenesis factor 1; minus strand), GATAD1 (GATA zinc finger domain containing 1; plus strand). Cytogenetic location: 7q21.2.
Variant type: single nucleotide variant.
Coding change: c.2901G>A on transcript NM_000466.3 (MANE Select); coding-DNA position 2901, G replaced by A.
Protein change: p.Gln967=; no amino-acid change (glutamine 967 retained).
Molecular consequence: synonymous variant.
Genome position (GRCh38, 1-based): chr7:92,494,512, C>T on the plus strand (G>A on the coding strand, the complement: PEX1 is on the minus strand). VCF-style: chr7-92494512-C-T. GRCh37 (hg19) VCF-style: chr7-92123826-C-T.
Other names: c.2730G>A, p.Gln910= (NM_001282677.2); c.2277G>A, p.Gln759= (NM_001282678.2).
Identifiers: ClinVar variation 93109 (VCV000093109.29), dbSNP rs111704518, ClinGen allele CA146661.